The following is an entry in ClinVar:

NM_000083.3(CLCN1):c.689G>A (p.Gly230Glu)

Gene: CLCN1 (chloride voltage-gated channel 1; plus strand). Cytogenetic location: 7q34.
Variant type: single nucleotide variant.
Coding change: c.689G>A on transcript NM_000083.3 (MANE Select); coding-DNA position 689, G replaced by A.
Protein change: p.Gly230Glu; replaces glycine 230 with glutamic acid.
Molecular consequence: missense variant. On other transcripts: non-coding transcript variant (1).
Genome position (GRCh38, 1-based): chr7:143,321,841, G>A. VCF-style: chr7-143321841-G-A. GRCh37 (hg19) VCF-style: chr7-143018934-G-A.
Other names: short protein forms G230E.
Identifiers: ClinVar variation 17532 (VCV000017532.45), dbSNP rs80356700, ClinGen allele CA258012.
Genomic context (GRCh38, chr7:143,321,841, plus strand): 5'-AAGCCTTTGTGGCCAAGGTTGTCGCCCTGACTGCGGGCCTGGGCAGTGGCATCCCCGTGG[G>A]GAAAGAGGTAGGCCTGGCATGACTGAAGCCAGAGCTGGGAGGGGCCCTCAGGAGCCAGGG-3'
Protein context (NP_000074.3, residues 220-240): TAGLGSGIPV[Gly230Glu]KEGPFVHIAS

ClinVar aggregate classification (germline): Pathogenic. Review status: criteria provided, multiple submitters, no conflicts (2 of 4 stars). 15 submissions from 15 submitters: Pathogenic (13). 2 of the submissions do not count toward it. Last evaluated 2026-04-21.

Conditions:
CLCN1-related disorder. Also called: CLCN1-related condition.
Congenital myotonia, autosomal recessive form. Also called: BECKER DISEASE; Becker Generalized Myotonia; myotonia congenita, autosomal recessive. Identifiers: Orphanet 614, MedGen C0751360, MONDO:0009715, OMIM 255700.
Congenital myotonia, autosomal dominant form (THD). Also called: Myotonia congenita autosomal dominant; THOMSEN DISEASE. Identifiers: Orphanet 614, MedGen C2936781, MONDO:0008055, OMIM 160800.
Batten-Turner congenital myopathy. Also called: Myotonia congenita; Congenital myotonia. Identifiers: Orphanet 206973, MedGen C0027127, MONDO:0100468, OMIM 255300.

Allele frequency attached by ClinVar (database versions not stated): ExAC 0.00002; TOPMed 0.00002.
gnomAD v4.1: 45 of 1,614,072 alleles (0.0028%); highest among the groups gnomAD compares: Non-Finnish European, 0.0037%; no homozygotes.

Submissions 1 to 9 of 15:

PreventionGenetics, part of Exact Sciences
Classification: Pathogenic for CLCN1-related condition. Last evaluated: 2026-04-21. Review status: criteria provided, single submitter. Criteria: ACMG Guidelines, 2015. Collection method: clinical testing. Allele origin: germline.
Comment: The CLCN1 c.689G>A variant is predicted to result in the amino acid substitution p.Gly230Glu. This variant has been reported in the heterozygous and compound heterozygous states in multiple individuals with myotonia congenita, although it is primarily associated with autosomal dominant inheritance (see, for example: George et al. 1993. PubMed ID: 7981750; Horga et al. 2013. PubMed ID: 23516313; Supplementary Table 1, Suetterlin et al. 2022. PubMed ID: 34529042). In vitro studies in transformed Xenopus oocytes reported that the p.Gly230Glu variant led to a loss of ion channel function with a dominant negative effect (Steinmeyer et al. 1994. PubMed ID: 8112288). Additional studies in mammalian cell lines reported this variant led to impaired channel function and altered patterns of ion selectivity and permeability (Fahlke et al. 1997. PubMed ID: 9122265). In silico modeling of the CIC-1 protein dimer predicted that the p.Gly230Glu substitution disrupts channel function by destabilizing the core of the of the chloride ion channel pathway (Skálová et al. 2013. PubMed ID: 24349310). This variant is reported in 0.0062% of alleles in individuals of African descent in gnomAD. Taken together, this variant is interpreted as pathogenic.

Labcorp Genetics (formerly Invitae), Labcorp
Classification: Pathogenic for Congenital myotonia, autosomal recessive form; Congenital myotonia, autosomal dominant form. Last evaluated: 2026-01-26. Review status: criteria provided, single submitter. Criteria: Invitae Variant Classification Sherloc (09022015). Collection method: clinical testing. Allele origin: germline.
Comment: This sequence change replaces glycine, which is neutral and non-polar, with glutamic acid, which is acidic and polar, at codon 230 of the CLCN1 protein (p.Gly230Glu). This variant is present in population databases (rs80356700, gnomAD 0.007%). This missense change has been observed in individual(s) with autosomal dominant myotonia congenita (PMID: 7981750, 18220014). It has also been observed to segregate with disease in related individuals. This variant is also known as Gly180Glu. ClinVar contains an entry for this variant (Variation ID: 17532). Invitae Evidence Modeling of protein sequence and biophysical properties (such as structural, functional, and spatial information, amino acid conservation, physicochemical variation, residue mobility, and thermodynamic stability) indicates that this missense variant is expected to disrupt CLCN1 protein function with a positive predictive value of 95%. Experimental studies have shown that this missense change affects CLCN1 function (PMID: 8112288, 9122265). For these reasons, this variant has been classified as Pathogenic.

Greenwood Genetic Center Diagnostic Laboratories, Greenwood Genetic Center
Classification: Pathogenic for Congenital myotonia, autosomal dominant form. Last evaluated: 2025-12-11. Review status: criteria provided, single submitter. Criteria: ACMG Guidelines, 2015. Collection method: clinical testing. Allele origin: germline. Affected: yes.
Comment: PS3, PM1, PM2, PP1, PP3

Mayo Clinic Laboratories, Mayo Clinic
Classification: Pathogenic. Last evaluated: 2025-05-01. Review status: criteria provided, single submitter. Criteria: ACMG Guidelines, 2015. Collection method: clinical testing. Allele origin: germline. Observed: 2 variant alleles.
Comment: PP1, PP3_strong, PS3_supporting, PS4

Revvity Omics, Revvity
Classification: Pathogenic. Last evaluated: 2025-03-10. Review status: criteria provided, single submitter. Criteria: ACMG Guidelines, 2015. Collection method: clinical testing. Allele origin: germline.

GeneDx
Classification: Pathogenic. Last evaluated: 2025-02-06. Review status: criteria provided, single submitter. Criteria: GeneDx Variant Classification Process June 2021. Collection method: clinical testing. Allele origin: germline. Affected: yes.
Comment: Reported previously in multiple unrelated families with myotonia congenita, most often in association with autosomal dominant inheritance (PMID: 7981750, 8533761); Reported in a family exhibiting autosomal dominant inheritance with at least one carrier of the p.(G230E) variant reported to be clinically unaffected in adulthood, although EMG revealed subclinical myotonia (PMID: 8533761); Published functional studies have demonstrated that the Gly230 residue resides within the chloride channel pore and the p.(G230E) variant dramatically alters pore properties (PMID: 9122265); In silico analysis supports that this missense variant has a deleterious effect on protein structure/function; Not observed at significant frequency in large population cohorts (gnomAD); This variant is associated with the following publications: (PMID: 10467912, 15786415, 23739125, 36628841, 36796140, 28427807, 10720929, 11933197, 12390967, 24349310, 19570891, 20301529, 29424939, 29606556, 31692161, 32721234, 7981750, 8857733, 18263754, 10533075, 32670189, 34529042, 18220014, 8857727, 8533761, 9122265)

Blueprint Genetics
Classification: Pathogenic for CLCN1-related disorders. Last evaluated: 2024-09-24. Review status: criteria provided, single submitter. Criteria: ACMG Guidelines, 2015. Collection method: clinical testing. Allele origin: germline. Affected: yes. Observed: 5 variant alleles.

Fulgent Genetics
Classification: Pathogenic for Congenital myotonia, autosomal dominant form; Congenital myotonia, autosomal recessive form. Last evaluated: 2024-05-05. Review status: criteria provided, single submitter. Criteria: ACMG Guidelines, 2015. Collection method: clinical testing. Allele origin: germline.

Victorian Clinical Genetics Services, Murdoch Childrens Research Institute
Classification: Pathogenic for Congenital myotonia, autosomal recessive form. Last evaluated: 2023-07-16. Review status: criteria provided, single submitter. Criteria: ACMG Guidelines, 2015. Collection method: clinical testing. Allele origin: germline. Inheritance: Autosomal recessive inheritance. Affected: yes.
Comment: Based on the classification scheme VCGS_Germline_v1.3.4, this variant is classified as Pathogenic. Following criteria are met: 0103 - Dominant negative and loss of function are known mechanisms of disease in this gene. There are no clear phenotype-genotype correlations, however loss of function is generally associated with autosomal recessive inheritance (PMIDs: 20301529, 32117024). (I) 0108 - This gene is associated with both recessive and dominant disease. Recessive myotonia congenita (MIM#255700, Becker disease) is more severe than dominant myotonia congenita (MIM#160800, Thomsen disease). At least twelve variants were reported to cause both diseases (PMIDs: 20301529, 32010054). (I) 0112 - The condition associated with this gene has incomplete penetrance. Incomplete penetrance has been suggested for pathogenic variants associated with autosomal dominant inheritance (PMIDs: 20301529, 32117024). (I) 0115 - Variants in this gene are known to have variable expressivity. Intrafamilial phenotypic variability has been reported (PMID: 20301529). (I) 0200 - Variant is predicted to result in a missense amino acid change from glycine to glutamic acid. (I) 0251 - This variant is heterozygous. (I) 0304 - Variant is present in gnomAD (v2) <0.01 for a recessive condition (3 heterozygotes, 0 homozygotes). (SP) 0309 - An alternative amino acid change at the same position has been observed in gnomAD (v2) (2 heterozygotes, 0 homozygotes). (I) 0501 - Missense variant consistently predicted to be damaging by multiple in silico tools or highly conserved with a major amino acid change. (SP) 0600 - Variant is located in the annotated voltage gated chloride channel domain (DECIPHER). (I) 0801 - This variant has strong previous evidence of pathogenicity in unrelated individuals. This variant has been classified as pathogenic by multiple clinical laboratories in ClinVar, and has been observed in several families with autosomal dominant myotonia congenita and at least one family with autosomal recessive myotonia congenita in the literature (PMIDs:18220014, 8857733). (SP) 1101 - Very strong and specific phenotype match for this individual. (SP) 1208 - Inheritance information for this variant is not currently available in this individual. (I) Legend: (SP) - Supporting pathogenic, (I) - Information, (SB) - Supporting benign